The following is an entry in ClinVar:

ClinVar aggregate classification (germline): Uncertain significance. Review status: criteria provided, multiple submitters, no conflicts (2 of 4 stars). 9 submissions from 4 submitters: Uncertain significance (9). Last evaluated 2026-09-01.

Conditions:
Frontometaphyseal dysplasia 1 (FMD1). Also called: Frontometaphyseal Dysplasia (FLNA-FMD). Identifiers: Orphanet 1826, MedGen C4281559, MONDO:0024550, OMIM 305620.
Melnick-Needles syndrome (MNS). Also called: Melnick-Needles Syndrome (FLNA-MNS); MELNICK-NEEDLES OSTEODYSPLASTY; OSTEODYSPLASTY OF MELNICK AND NEEDLES. Identifiers: Orphanet 2484, MedGen C0025237, MONDO:0010650, OMIM 309350.
FG syndrome 2 (FGS2). Identifiers: MedGen C1845902, MONDO:0010297, OMIM 300321.
Terminal osseous dysplasia-pigmentary defects syndrome. Also called: ODPF SYNDROME; OSSEOUS DYSPLASIA, DIGITAL, WITH FACIAL PIGMENTARY DEFECTS AND MULTIPLE FRENULA; Terminal Osseous Dysplasia (FLNA-TOD); ODPD; TERMINAL OSSEOUS DYSPLASIA AND PIGMENTARY DEFECTS. Identifiers: Orphanet 88630, MedGen C1846129, MONDO:0010279, OMIM 300244.
Cardiac valvular dysplasia, X-linked (CVDPX). Also called: VALVULAR HEART DISEASE, CONGENITAL; MYXOMATOUS VALVULAR DYSTROPHY, X-LINKED; FLNA-Related X-linked Cardiac Valvular Dysplasia; Congenital valvular dysplasia; Isolated X-Linked Cardiac Valvular Dysplasia. Identifiers: Orphanet 1864, Orphanet 555877, Orphanet 75497, MedGen C0262436, MONDO:0010753, OMIM 314400.
Familial thoracic aortic aneurysm and aortic dissection (TAAD). Also called: Thoracic aortic aneurysms and dissections. Identifiers: Orphanet 91387, MedGen C4707243, MONDO:0019625.
Heterotopia, periventricular, X-linked dominant (PVNH1). Also called: PERIVENTRICULAR NODULAR HETEROTOPIA 4; HETEROTOPIA, PERIVENTRICULAR, 1; X-linked periventricular heterotopia; PERIVENTRICULAR NODULAR HETEROTOPIA 1. Identifiers: Orphanet 2149, Orphanet 82004, MedGen C1848213, MONDO:0010233, OMIM 300049.

Allele frequency attached by ClinVar (database versions not stated): gnomAD exomes below 0.00001 and 0.00001.
gnomAD v4.1: 3 of 1,211,394 alleles (0.00025%); highest among the groups gnomAD compares: Non-Finnish European, 0.00022%; no homozygotes.

Submissions (9):

CeGaT Center for Human Genetics Tuebingen
Classification: Uncertain significance. Last evaluated: 2026-09-01. Review status: criteria provided, single submitter. Criteria: CeGaT Center For Human Genetics Tuebingen Variant Classification Criteria Version 2. Collection method: clinical testing. Allele origin: germline. Affected: yes. Observed: 2 variant alleles.
Comment: FLNA: PP2

Ambry Genetics
Classification: Uncertain significance for Familial thoracic aortic aneurysm and aortic dissection. Last evaluated: 2025-10-31. Review status: criteria provided, single submitter. Criteria: Ambry Variant Classification Scheme 2023. Collection method: clinical testing. Allele origin: germline.
Comment: The p.Q182H variant (also known as c.546G>C), located in coding exon 2 of the FLNA gene, results from a G to C substitution at nucleotide position 546. The glutamine at codon 182 is replaced by histidine, an amino acid with highly similar properties. This amino acid position is not well conserved in available vertebrate species. In addition, the in silico prediction for this alteration is inconclusive. Based on data from gnomAD, the C allele has an overall frequency of 0.0011% (2/180774) total alleles studied, with 1 hemizygote(s) observed. The highest observed frequency was 0.0025% (2/80664) of European (non-Finnish) alleles. Based on the available evidence, the clinical significance of this variant remains unclear.

GeneDx
Classification: Uncertain significance. Last evaluated: 2019-05-21. Review status: criteria provided, single submitter. Criteria: GeneDx Variant Classification Process June 2021. Collection method: clinical testing. Allele origin: germline. Affected: yes.
Comment: In silico analysis, which includes protein predictors and evolutionary conservation, supports a deleterious effect; Has not been previously published as pathogenic or benign to our knowledge

Genomic Research Center, Shahid Beheshti University of Medical Sciences
Classification: Uncertain significance for Cardiac valvular dysplasia, X-linked. Last evaluated: 2018-03-05. Review status: criteria provided, single submitter. Criteria: ACMG Guidelines, 2015. Collection method: clinical testing. Allele origin: inherited. Affected: no. Observed: 1 variant allele.

Genomic Research Center, Shahid Beheshti University of Medical Sciences
Classification: Uncertain significance for FG syndrome 2. Last evaluated: 2018-03-05. Review status: criteria provided, single submitter. Criteria: ACMG Guidelines, 2015. Collection method: clinical testing. Allele origin: inherited. Affected: no. Observed: 1 variant allele.

Genomic Research Center, Shahid Beheshti University of Medical Sciences
Classification: Uncertain significance for Frontometaphyseal dysplasia. Last evaluated: 2018-03-05. Review status: criteria provided, single submitter. Criteria: ACMG Guidelines, 2015. Collection method: clinical testing. Allele origin: inherited. Affected: no. Observed: 1 variant allele.

Genomic Research Center, Shahid Beheshti University of Medical Sciences
Classification: Uncertain significance for Heterotopia, periventricular, X-linked dominant. Last evaluated: 2018-03-05. Review status: criteria provided, single submitter. Criteria: ACMG Guidelines, 2015. Collection method: clinical testing. Allele origin: inherited. Affected: no. Observed: 1 variant allele.

Genomic Research Center, Shahid Beheshti University of Medical Sciences
Classification: Uncertain significance for Melnick-Needles syndrome. Last evaluated: 2018-03-05. Review status: criteria provided, single submitter. Criteria: ACMG Guidelines, 2015. Collection method: clinical testing. Allele origin: inherited. Affected: no. Observed: 1 variant allele.

Genomic Research Center, Shahid Beheshti University of Medical Sciences
Classification: Uncertain significance for Terminal osseous dysplasia-pigmentary defects syndrome. Last evaluated: 2018-03-05. Review status: criteria provided, single submitter. Criteria: ACMG Guidelines, 2015. Collection method: clinical testing. Allele origin: inherited. Affected: no. Observed: 1 variant allele.

NM_001110556.2(FLNA):c.546G>C (p.Gln182His)

Gene: FLNA (filamin A; minus strand). Cytogenetic location: Xq28.
Variant type: single nucleotide variant.
Coding change: c.546G>C on transcript NM_001110556.2 (MANE Select); coding-DNA position 546, G replaced by C.
Protein change: p.Gln182His; replaces glutamine 182 with histidine.
Molecular consequence: missense variant.
Genome position (GRCh38, 1-based): chrX:154,367,918, C>G on the plus strand (G>C on the coding strand, the complement: FLNA is on the minus strand). VCF-style: chrX-154367918-C-G. GRCh37 (hg19) VCF-style: chrX-153596286-C-G.
Other names: c.546G>C, p.Gln182His (NM_001456.4); short protein forms Q182H.
Identifiers: ClinVar variation 548502 (VCV000548502.32), dbSNP rs1557179648, ClinGen allele CA415249427.